The following is an entry in ClinVar:

ClinVar aggregate classification (germline): Uncertain significance (1 of 4 stars; one submission).

Allele frequency attached by ClinVar (database versions not stated): gnomAD exomes below 0.00001; TOPMed below 0.00001.
gnomAD v4.1: 1 of 1,605,844 alleles (0.000062%); highest among the groups gnomAD compares: Non-Finnish European, 0.000085%; no homozygotes.

Submission:

Ambry Genetics
Classification: Uncertain significance. Last evaluated: 2023-09-06. Review status: criteria provided, single submitter. Criteria: Ambry Variant Classification Scheme 2023. Collection method: clinical testing. Allele origin: germline.
Comment: The p.N37H variant (also known as c.109A>C), located in coding exon 3 of the BUB1 gene, results from an A to C substitution at nucleotide position 109. The asparagine at codon 37 is replaced by histidine, an amino acid with similar properties. This amino acid position is conserved. In addition, this alteration is predicted to be tolerated by in silico analysis. Since supporting evidence is limited at this time, the clinical significance of this alteration remains unclear.

NM_004336.5(BUB1):c.109A>C (p.Asn37His)

Gene: BUB1 (BUB1 mitotic checkpoint serine/threonine kinase; minus strand). Cytogenetic location: 2q13.
Variant type: single nucleotide variant.
Coding change: c.109A>C on transcript NM_004336.5 (MANE Select); coding-DNA position 109, A replaced by C.
Protein change: p.Asn37His; replaces asparagine 37 with histidine.
Molecular consequence: missense variant.
Genome position (GRCh38, 1-based): chr2:110,674,202, T>G on the plus strand (A>C on the coding strand, the complement: BUB1 is on the minus strand). VCF-style: chr2-110674202-T-G. GRCh37 (hg19) VCF-style: chr2-111431779-T-G.
Other names: c.49A>C, p.Asn17His (NM_001278616.2); c.109A>C, p.Asn37His (NM_001278617.2); short protein forms N17H, N37H.
Identifiers: ClinVar variation 2586167 (VCV002586167.2), dbSNP rs1021594739, ClinGen allele CA53545397.
Genomic context (GRCh38, chr2:110,674,202, plus strand): 5'-AAAATTCCTTCATTAAATGTTCTAGTAAAGTTATCAAGTATTCTTTATTCTCAGGAAAAT[T>G]CTCTTCTACCCACTGTATGTATCTAGAAAAATATGGATAATGTTAATTTTCCATGGGGCA-3'
Protein context (NP_004327.1, residues 27-47): WERYIQWVEE[Asn37His]FPENKEYLIT